The following is an entry in ClinVar:

NM_153603.4(COG7):c.169+18del

Gene: COG7 (component of oligomeric golgi complex 7; minus strand). Cytogenetic location: 16p12.2.
Variant type: Deletion.
Coding change: c.169+18del on transcript NM_153603.4 (MANE Select); 18 bases into the intron after coding-DNA position 169, one base deleted (C; older notation c.169+18delC).
Molecular consequence: intron variant.
Genome position (GRCh38, 1-based): chr16:23,452,808, G deleted on the plus strand (C on the coding strand, the reverse complement: COG7 is on the minus strand); the first of 3 consecutive G bases (chr16:23,452,808-23,452,810); deleting any one gives the same sequence. VCF-style (leftmost placement, unchanged base first): chr16-23452807-AG-A. GRCh37 (hg19) VCF-style: chr16-23464128-AG-A.
Other names: c.169+18delC (NM_153603.3).
Identifiers: ClinVar variation 506317 (VCV000506317.9), dbSNP rs140548275, ClinGen allele CA7961404.
Genomic context (GRCh38, chr16:23,452,807, plus strand): 5'-GTGCCTCACGCAAGTTCGGTGACCTCTGCCCAGCCGAGAGCAGGGGAGGGTCCCGCGGCC[AG>A]GGCCCCGAGCGGCTCACCCTCCACGGCGTGGTTCACCTCTTGGATGAACAGCTGCAGCTT-3'

ClinVar aggregate classification (germline): Benign. Review status: criteria provided, multiple submitters, no conflicts (2 of 4 stars). 2 submissions from 2 submitters: Benign (2). Last evaluated 2026-01-22.

Conditions:
COG7 congenital disorder of glycosylation (CDG2E). Also called: CONGENITAL DISORDER OF GLYCOSYLATION, TYPE IIe; CDG IIe. Identifiers: Orphanet 79333, MedGen C2931010, MONDO:0012118, OMIM 608779.

Submissions (2):

Labcorp Genetics (formerly Invitae), Labcorp
Classification: Benign for COG7 congenital disorder of glycosylation. Last evaluated: 2026-01-22. Review status: criteria provided, single submitter. Criteria: Invitae Variant Classification Sherloc (09022015). Collection method: clinical testing. Allele origin: germline.

GeneDx
Classification: Benign. Last evaluated: 2017-04-25. Review status: criteria provided, single submitter. Criteria: GeneDx Variant Classification (06012015). Collection method: clinical testing. Allele origin: germline. Affected: yes.
Comment: This variant is considered likely benign or benign based on one or more of the following criteria: it is a conservative change, it occurs at a poorly conserved position in the protein, it is predicted to be benign by multiple in silico algorithms, and/or has population frequency not consistent with disease.